The following is an entry in ClinVar:

ClinVar aggregate classification (germline): Uncertain significance (1 of 4 stars; one submission).

Submission:

GeneDx
Classification: Uncertain significance. Last evaluated: 2023-06-16. Review status: criteria provided, single submitter. Criteria: GeneDx Variant Classification Process June 2021. Collection method: clinical testing. Allele origin: germline. Affected: yes.
Comment: Not observed at significant frequency in large population cohorts (gnomAD); In silico analysis supports that this missense variant does not alter protein structure/function; Has not been previously published as pathogenic or benign to our knowledge

NM_024928.5(STN1):c.559C>G (p.Leu187Val)

Gene: STN1 (STN1 subunit of CST complex; minus strand). Cytogenetic location: 10q24.33.
Variant type: single nucleotide variant.
Coding change: c.559C>G on transcript NM_024928.5 (MANE Select); coding-DNA position 559, C replaced by G.
Protein change: p.Leu187Val; replaces leucine 187 with valine.
Molecular consequence: missense variant.
Genome position (GRCh38, 1-based): chr10:103,898,899, G>C on the plus strand (C>G on the coding strand, the complement: STN1 is on the minus strand). VCF-style: chr10-103898899-G-C. GRCh37 (hg19) VCF-style: chr10-105658657-G-C.
Other names: short protein forms L187V.
Identifiers: ClinVar variation 3359900 (VCV003359900.1).